The following is an entry in ClinVar:

ClinVar aggregate classification (germline): Uncertain significance (1 of 4 stars; one submission).

Submission:

Labcorp Genetics (formerly Invitae), Labcorp
Classification: Uncertain significance. Last evaluated: 2022-07-19. Review status: criteria provided, single submitter. Criteria: Invitae Variant Classification Sherloc (09022015). Collection method: clinical testing. Allele origin: germline.
Comment: This sequence change replaces aspartic acid, which is acidic and polar, with histidine, which is basic and polar, at codon 200 of the LRIT3 protein (p.Asp200His). This variant is not present in population databases (gnomAD no frequency). This variant has not been reported in the literature in individuals affected with LRIT3-related conditions. Algorithms developed to predict the effect of missense changes on protein structure and function (SIFT, PolyPhen-2, Align-GVGD) all suggest that this variant is likely to be disruptive. In summary, the available evidence is currently insufficient to determine the role of this variant in disease. Therefore, it has been classified as a Variant of Uncertain Significance.

NM_198506.5(LRIT3):c.598G>C (p.Asp200His)

Gene: LRIT3 (leucine rich repeat, Ig-like and transmembrane domains 3; plus strand). Cytogenetic location: 4q25.
Variant type: single nucleotide variant.
Coding change: c.598G>C on transcript NM_198506.5 (MANE Select); coding-DNA position 598, G replaced by C.
Protein change: p.Asp200His; replaces aspartic acid 200 with histidine.
Molecular consequence: missense variant.
Genome position (GRCh38, 1-based): chr4:109,867,649, G>C. VCF-style: chr4-109867649-G-C. GRCh37 (hg19) VCF-style: chr4-110788805-G-C.
Other names: short protein forms D200H.
Identifiers: ClinVar variation 1960990 (VCV001960990.5), dbSNP rs748357847, ClinGen allele CA357866128.